The following is an entry in ClinVar:

ClinVar aggregate classification (germline): Uncertain significance (1 of 4 stars; one submission).

gnomAD v4.1: 2 of 1,611,748 alleles (0.00012%); highest among the groups gnomAD compares: Admixed American, 0.0017%; no homozygotes.

Submission:

Labcorp Genetics (formerly Invitae), Labcorp
Classification: Uncertain significance. Last evaluated: 2025-12-25. Review status: criteria provided, single submitter. Criteria: Invitae Variant Classification Sherloc (09022015). Collection method: clinical testing. Allele origin: germline.
Comment: This sequence change replaces leucine, which is neutral and non-polar, with proline, which is neutral and non-polar, at codon 9 of the MACF1 protein (p.Leu9Pro). This variant is not present in population databases (gnomAD no frequency). This variant has not been reported in the literature in individuals affected with MACF1-related conditions. Experimental studies and prediction algorithms are not available or were not evaluated, and the functional significance of this variant is currently unknown. In summary, the available evidence is currently insufficient to determine the role of this variant in disease. Therefore, it has been classified as a Variant of Uncertain Significance.

NC_000001.11:g.39084244T>C

Gene: MACF1 (microtubule actin crosslinking factor 1; plus strand). Cytogenetic location: 1p34.3.
Variant type: single nucleotide variant.
Molecular consequence: missense variant (on NM_012090.5).
Genome position: GRCh38 VCF-style: chr1-39084244-T-C. GRCh37 (hg19) VCF-style: chr1-39549916-T-C.
Other names: c.26T>C, p.Leu9Pro (NM_012090.5); short protein forms L9P.
Identifiers: ClinVar variation 4763486 (VCV004763486.1).